The following is an entry in ClinVar:

ClinVar aggregate classification (germline): Pathogenic (1 of 4 stars; one submission).

Submission:

GeneDx
Classification: Pathogenic. Last evaluated: 2022-03-14. Review status: criteria provided, single submitter. Criteria: GeneDx Variant Classification Process June 2021. Collection method: clinical testing. Allele origin: germline. Affected: yes.
Comment: Nonsense variant predicted to result in protein truncation or nonsense mediated decay in a gene for which loss-of-function is a known mechanism of disease; Not observed at significant frequency in large population cohorts (gnomAD); This variant is associated with the following publications: (PMID: 31164858, 28393272)

NM_031844.3(HNRNPU):c.817C>T (p.Gln273Ter)

Gene: HNRNPU (heterogeneous nuclear ribonucleoprotein U; minus strand). Cytogenetic location: 1q44.
Variant type: single nucleotide variant.
Coding change: c.817C>T on transcript NM_031844.3 (MANE Select); coding-DNA position 817, C replaced by T.
Protein change: p.Gln273Ter; replaces glutamine 273 with a stop codon.
Molecular consequence: nonsense.
Genome position (GRCh38, 1-based): chr1:244,862,521, G>A on the plus strand (C>T on the coding strand, the complement: HNRNPU is on the minus strand). VCF-style: chr1-244862521-G-A. GRCh37 (hg19) VCF-style: chr1-245025823-G-A.
Other names: c.760C>T, p.Gln254Ter (NM_004501.3); short protein forms Q254*, Q273*.
Identifiers: ClinVar variation 1706354 (VCV001706354.2), dbSNP rs373483406, ClinGen allele CA345495147.